The following is an entry in ClinVar:

ClinVar aggregate classification (germline): Uncertain significance (1 of 4 stars; one submission).

Conditions:
CHARGE syndrome (CHARGE). Also called: Hittner Hirsch Kreh syndrome; CHARGE ASSOCIATION--COLOBOMA, HEART ANOMALY, CHOANAL ATRESIA, RETARDATION, GENITAL AND EAR ANOMALIES; Coloboma, heart anomaly, choanal atresia, retardation, genital and ear anomalies; CHARGE association; Hall-Hittner syndrome. Identifiers: Orphanet 138, MedGen C0265354, MONDO:0008965.

Submission:

Labcorp Genetics (formerly Invitae), Labcorp
Classification: Uncertain significance for CHARGE syndrome. Last evaluated: 2022-09-09. Review status: criteria provided, single submitter. Criteria: Invitae Variant Classification Sherloc (09022015). Collection method: clinical testing. Allele origin: germline.
Comment: Advanced modeling of protein sequence and biophysical properties (such as structural, functional, and spatial information, amino acid conservation, physicochemical variation, residue mobility, and thermodynamic stability) performed at Invitae indicates that this missense variant is not expected to disrupt SEMA3E protein function. In summary, the available evidence is currently insufficient to determine the role of this variant in disease. Therefore, it has been classified as a Variant of Uncertain Significance. This variant has not been reported in the literature in individuals affected with SEMA3E-related conditions. This variant is not present in population databases (gnomAD no frequency). This sequence change replaces aspartic acid, which is acidic and polar, with glycine, which is neutral and non-polar, at codon 319 of the SEMA3E protein (p.Asp319Gly).

NM_012431.3(SEMA3E):c.956A>G (p.Asp319Gly)

Gene: SEMA3E (semaphorin 3E; minus strand). Cytogenetic location: 7q21.11.
Variant type: single nucleotide variant.
Coding change: c.956A>G on transcript NM_012431.3 (MANE Select); coding-DNA position 956, A replaced by G.
Protein change: p.Asp319Gly; replaces aspartic acid 319 with glycine.
Molecular consequence: missense variant.
Genome position (GRCh38, 1-based): chr7:83,405,492, T>C on the plus strand (A>G on the coding strand, the complement: SEMA3E is on the minus strand). VCF-style: chr7-83405492-T-C. GRCh37 (hg19) VCF-style: chr7-83034808-T-C.
Other names: c.776A>G, p.Asp259Gly (NM_001178129.2); short protein forms D259G, D319G.
Identifiers: ClinVar variation 1719090 (VCV001719090.5), dbSNP rs2484316536, ClinGen allele CA367929453.